The following is an entry in ClinVar:

ClinVar aggregate classification (germline): Uncertain significance (1 of 4 stars; one submission).

Conditions:
Early-infantile DEE. Also called: Ohtahara syndrome; Early infantile epileptic encephalopathy; Early infantile epileptic encephalopathy with suppression bursts. Identifiers: Orphanet 1934, MedGen C0393706, MONDO:0800491.

Allele frequency attached by ClinVar (database versions not stated): gnomAD 0.00001; ExAC 0.00001.
gnomAD v4.1: 1 of 1,612,486 alleles (0.000062%); highest among the groups gnomAD compares: Non-Finnish European, 0.000085%; no homozygotes.

Submission:

Labcorp Genetics (formerly Invitae), Labcorp
Classification: Uncertain significance for Early-infantile DEE. Last evaluated: 2025-09-23. Review status: criteria provided, single submitter. Criteria: Invitae Variant Classification Sherloc (09022015). Collection method: clinical testing. Allele origin: germline.
Comment: This sequence change replaces leucine, which is neutral and non-polar, with valine, which is neutral and non-polar, at codon 108 of the SCN1A protein (p.Leu108Val). This variant is present in population databases (rs779413164, gnomAD 0.0009%). This variant has not been reported in the literature in individuals affected with SCN1A-related conditions. ClinVar contains an entry for this variant (Variation ID: 2751140). Invitae Evidence Modeling of protein sequence and biophysical properties (such as structural, functional, and spatial information, amino acid conservation, physicochemical variation, residue mobility, and thermodynamic stability) has been performed for this missense variant. However, the output from this modeling did not meet the statistical confidence thresholds required to predict the impact of this variant on SCN1A protein function. This variant disrupts the p.Leu108 amino acid residue in SCN1A. Other variant(s) that disrupt this residue have been observed in individuals with SCN1A-related conditions (PMID: 21426328, 26096185, 32090326, 33278787), which suggests that this may be a clinically significant amino acid residue. In summary, the available evidence is currently insufficient to determine the role of this variant in disease. Therefore, it has been classified as a Variant of Uncertain Significance.

Literature cited by the submitters: PubMed 21426328; PubMed 26096185; PubMed 32090326; PubMed 33278787.

NM_001165963.4(SCN1A):c.322C>G (p.Leu108Val)

Gene: SCN1A (sodium voltage-gated channel alpha subunit 1; minus strand). Cytogenetic location: 2q24.3.
Variant type: single nucleotide variant.
Coding change: c.322C>G on transcript NM_001165963.4 (MANE Select); coding-DNA position 322, C replaced by G.
Protein change: p.Leu108Val; replaces leucine 108 with valine.
Molecular consequence: missense variant. On other transcripts: non-coding transcript variant (1), 5 prime UTR variant (1).
Genome position (GRCh38, 1-based): chr2:166,058,631, G>C on the plus strand (C>G on the coding strand, the complement: SCN1A is on the minus strand). VCF-style: chr2-166058631-G-C. GRCh37 (hg19) VCF-style: chr2-166915141-G-C.
Other names: c.322C>G, p.Leu108Val (NM_006920.6, NM_001202435.3, NM_001353948.2 and 10 more transcripts); c.-2104C>G (NM_001353961.2); short protein forms L108V.
Identifiers: ClinVar variation 2751140 (VCV002751140.3), dbSNP rs779413164, ClinGen allele CA1943535.
Genomic context (GRCh38, chr2:166,058,631, plus strand): 5'-AATGTACCAAAATCTTAATAGCTATTTTCCTAAGAGGATTGAAGGGAGTTAAAATGTACA[G>C]GGCAGAGGTGGCACTGAACCGGAAGATGGCCTTCCCTTTATTCAATACTATAAAAGTCTG-3'
Protein context (NP_001159435.1, residues 98-118): AIFRFSATSA[Leu108Val]YILTPFNPLR